The following is an entry in ClinVar:

ClinVar aggregate classification (germline): Pathogenic/Likely pathogenic. Review status: no assertion criteria provided (0 of 4 stars). 2 submissions from 2 submitters: Pathogenic (1); Likely pathogenic (1). Last evaluated 2024-01-22.

Conditions:
GH1-related disorder. Also called: GH1-related condition.
Autosomal dominant isolated somatotropin deficiency (IGHD2). Also called: Idiopathic Growth Hormone Deficiency Type II; IGHD II. Identifiers: Orphanet 231679, Orphanet 631, MedGen C0271567, MONDO:0008250, OMIM 173100.

Submissions (2):

PreventionGenetics, part of Exact Sciences
Classification: Likely pathogenic for GH1-related condition. Last evaluated: 2024-01-22. Review status: no assertion criteria provided. Collection method: clinical testing. Allele origin: germline.
Comment: The GH1 c.172G>A variant is predicted to result in the amino acid substitution p.Glu58Lys. This variant was reported to segregate with autosomal dominant growth hormone deficiency type II in eleven individuals (7 affected) of a three generation family (Shariat et al. 2008. PubMed ID: 18554279). The variant is located at the very 5' end of exon 3, and it was shown to result in exon 3 skipping (Shariat et al. 2008. PubMed ID: 18554279). An alternative nucleotide change at the same position (c.172G>T, p.Glu58*) was also observed in a family with growth hormone deficiency type II (Takahashi I et al 2002. PubMed ID: 12000366). The c.172G>A (p.Glu58Lys) variant has not been reported in a large population database, indicating it is rare. This variant is interpreted as likely pathogenic.

OMIM
Classification: Pathogenic for ISOLATED GROWTH HORMONE DEFICIENCY, TYPE II. Last evaluated: 2002-03-01. Review status: no assertion criteria provided. Collection method: literature only. Allele origin: germline.

Literature cited by the submitters: PubMed 12000366 (cited by OMIM).

NM_000515.5(GH1):c.172G>A (p.Glu58Lys)

Genes: GH1 (growth hormone 1; minus strand), GH-LCR (growth hormone locus control region; plus strand). Cytogenetic location: 17q23.3.
Variant type: single nucleotide variant.
Coding change: c.172G>A on transcript NM_000515.5 (MANE Select); coding-DNA position 172, G replaced by A.
Protein change: p.Glu58Lys; replaces glutamic acid 58 with lysine.
Molecular consequence: missense variant. On other transcripts: intron variant (2).
Genome position (GRCh38, 1-based): chr17:63,918,136, C>T on the plus strand (G>A on the coding strand, the complement: GH1 is on the minus strand). VCF-style: chr17-63918136-C-T. GRCh37 (hg19) VCF-style: chr17-61995496-C-T.
Other names: GH1, EX3, G-A, +1; EX3DEL; c.171+210G>A (NM_022560.4); c.172-45G>A (NM_022559.4); c.172G>A (NM_000515.4); short protein forms E58K.
Identifiers: ClinVar variation 15985 (VCV000015985.4), dbSNP rs2144739391, ClinGen allele CA400612708.